The following is an entry in ClinVar:

NC_000022.10:g.(?_41566450)_(41572658_?)del

Gene: EP300 (EP300 lysine acetyltransferase; plus strand). Cytogenetic location: 22q13.2.
Variant type: Deletion.
Identifiers: ClinVar variation 3247973 (VCV003247973.1).

ClinVar aggregate classification (germline): Likely pathogenic (1 of 4 stars; one submission).

Conditions:
Rubinstein-Taybi syndrome due to EP300 haploinsufficiency. Also called: EP300-Related Rubinstein-Taybi Syndrome; RUBINSTEIN-TAYBI SYNDROME 2. Identifiers: Orphanet 353284, Orphanet 783, MedGen C3150941, MONDO:0013364, OMIM 613684.

Submission:

Labcorp Genetics (formerly Invitae), Labcorp
Classification: Likely pathogenic for Rubinstein-Taybi syndrome due to EP300 haploinsufficiency. Last evaluated: 2019-03-25. Review status: criteria provided, single submitter. Criteria: Invitae Variant Classification Sherloc (09022015). Collection method: clinical testing. Allele origin: unknown.
Comment: This variant is a deletion of the genomic region encompassing exons 28-30 and part of exon 27 (c.4327_5062-119del) of the EP300 gene. While this is not anticipated to result in nonsense mediated decay, it likely alters RNA splicing and results in a disrupted protein product. In summary, the currently available evidence indicates that the variant is pathogenic, but additional data are needed to prove that conclusively. Therefore, this variant has been classified as Likely Pathogenic. This variant disrupts the C-terminus of the EP300 protein. Other variant(s) that disrupt this region (p.Gln1836*,¬†p.Thr1909Asnfs*164,¬†p.Pro2367Argfs*36) have been observed in individuals with EP300-related conditions (PMID: 27648933, 29133209). This suggests that this may be a clinically significant region of the protein. This variant has not been reported in the literature in individuals with EP300-related conditions.

Literature cited by the submitters: PubMed 27648933; PubMed 29133209.